The following is an entry in ClinVar:

NM_000368.5(TSC1):c.338_343del (p.Leu113_Pro114del)

Gene: TSC1 (TSC complex subunit 1; minus strand). Cytogenetic location: 9q34.13.
Variant type: Deletion.
Coding change: c.338_343del on transcript NM_000368.5 (MANE Select); coding-DNA positions 338 to 343, 6 bases deleted (TGCCTT; older notation c.338_343delTGCCTT).
Protein change: p.Leu113_Pro114del.
Molecular consequence: inframe deletion. On other transcripts: 5 prime UTR variant (18), non-coding transcript variant (5), intron variant (5).
Genome position (GRCh38, 1-based): chr9:132,925,607-132,925,612, AAGGCA deleted on the plus strand (TGCCTT on the coding strand, the reverse complement: TSC1 is on the minus strand); deleting any 6 consecutive bases within chr9:132,925,607-132,925,614 gives the same sequence; the c. name uses the placement nearest the transcript's 3' end. VCF-style (leftmost placement, unchanged base first): chr9-132925606-GAAGGCA-G. GRCh37 (hg19) VCF-style: chr9-135800993-GAAGGCA-G.
Other names: c.338_343del, p.Leu113_Pro114del (NM_001406592.1, NM_001406593.1, NM_001406594.1 and 16 more transcripts); c.-118_-113del (NM_001406614.1, NM_001406616.1, NM_001406624.1); c.-151_-146del (NM_001406615.1, NM_001406623.1); c.-26_-21del (NM_001406617.1, NM_001406618.1, NM_001406619.1 and 5 more transcripts); c.-540_-535del (NM_001406626.1, NM_001406627.1, NM_001406628.1); c.-682_-677del (NM_001406629.1); c.-756_-751del (NM_001406630.1); c.210+1589_210+1594del (NM_001406613.1, NM_001406612.1, NM_001406610.1 and 2 more transcripts).
Identifiers: ClinVar variation 2706363 (VCV002706363.3), dbSNP rs2539071463, ClinGen allele CA2697558137.

ClinVar aggregate classification (germline): Likely pathogenic (1 of 4 stars; one submission).

Conditions:
Tuberous sclerosis 1 (TSC1). Identifiers: Orphanet 805, MedGen C1854465, MONDO:0008612, OMIM 191100.

Submission:

Labcorp Genetics (formerly Invitae), Labcorp
Classification: Likely pathogenic for Tuberous sclerosis 1. Last evaluated: 2024-04-08. Review status: criteria provided, single submitter. Criteria: Invitae Variant Classification Sherloc (09022015). Collection method: clinical testing. Allele origin: germline.
Comment: This variant, c.338_343del, results in the deletion of 2 amino acid(s) of the TSC1 protein (p.Leu113_Pro114del), but otherwise preserves the integrity of the reading frame. This variant is not present in population databases (gnomAD no frequency). This variant has been observed in individual(s) with clinical features of tuberous sclerosis complex (Invitae). In at least one individual the variant was observed to be de novo. Experimental studies and prediction algorithms are not available or were not evaluated, and the functional significance of this variant is currently unknown. In summary, the currently available evidence indicates that the variant is pathogenic, but additional data are needed to prove that conclusively. Therefore, this variant has been classified as Likely Pathogenic.